The following is an entry in ClinVar:

ClinVar aggregate classification (germline): Conflicting classifications of pathogenicity. Review status: criteria provided, conflicting classifications (1 of 4 stars). 2 submissions from 2 submitters: Uncertain significance (1); Likely benign (1). Last evaluated 2023-09-13.

Conditions:
Neurodegeneration, infantile-onset, biotin-responsive. Also called: SODIUM-DEPENDENT MULTIVITAMIN TRANSPORTER DEFICIENCY; SMVT DEFICIENCY. Identifiers: Orphanet 521268, MedGen C5436520, MONDO:0033546, OMIM 618973.
Peripheral motor neuropathy, childhood-onset, biotin-responsive. Identifiers: MedGen C5676997, MONDO:0859255, OMIM 619903.
Inborn genetic diseases. Identifiers: MedGen C0950123, MeSH D030342.

Allele frequency attached by ClinVar (database versions not stated): 1000 Genomes Project 0.00020; ExAC 0.00002; 1000 Genomes Project 30x 0.00016.
gnomAD v4.1: 21 of 1,613,884 alleles (0.0013%); highest among the groups gnomAD compares: East Asian, 0.025%; no homozygotes.

Submissions (2):

Ambry Genetics
Classification: Likely benign for Inborn genetic diseases. Last evaluated: 2023-09-13. Review status: criteria provided, single submitter. Criteria: Ambry Variant Classification Scheme 2023. Collection method: clinical testing. Allele origin: germline.

Juno Genomics, Hangzhou Juno Genomics, Inc
Classification: Uncertain significance for Peripheral motor neuropathy, childhood-onset, biotin-responsive; Neurodegeneration, infantile-onset, biotin-responsive. Review status: criteria provided, single submitter. Criteria: ACMG Guidelines, 2015. Collection method: clinical testing. Allele origin: germline.
Comment: Absent from controls (or at extremely low frequency if recessive) in Genome Aggregation Database.;Novel missense change at an amino acid residue where a different missense change determined to be pathogenic has been seen before.;Multiple lines of computational evidence support a deleterious effect on the gene or gene product.

NM_021095.4(SLC5A6):c.368G>A (p.Arg123His)

Gene: SLC5A6 (solute carrier family 5 member 6; minus strand). Cytogenetic location: 2p23.3.
Variant type: single nucleotide variant.
Coding change: c.368G>A on transcript NM_021095.4 (MANE Select); coding-DNA position 368, G replaced by A.
Protein change: p.Arg123His; replaces arginine 123 with histidine.
Molecular consequence: missense variant. On other transcripts: non-coding transcript variant (1).
Genome position (GRCh38, 1-based): chr2:27,207,283, C>T on the plus strand (G>A on the coding strand, the complement: SLC5A6 is on the minus strand). VCF-style: chr2-27207283-C-T. GRCh37 (hg19) VCF-style: chr2-27430151-C-T.
Other names: short protein forms R123H.
Identifiers: ClinVar variation 2596600 (VCV002596600.4), dbSNP rs188933728, ClinGen allele CA1571872.